The following is an entry in ClinVar:

ClinVar aggregate classification (germline): Uncertain significance. Review status: criteria provided, multiple submitters, no conflicts (2 of 4 stars). 4 submissions from 4 submitters: Uncertain significance (4). Last evaluated 2025-03-26.

Conditions:
SDHC-related disorder. Also called: SDHC-related condition.
Hereditary cancer-predisposing syndrome. Also called: Neoplastic Syndromes, Hereditary; Tumor predisposition; Hereditary Cancer Syndrome; Hereditary neoplastic syndrome. Identifiers: Orphanet 140162, MedGen C0027672, MeSH D009386, MONDO:0015356.
Hereditary pheochromocytoma and paraganglioma. Also called: Hereditary Paraganglioma-Pheochromocytoma Syndromes; Hereditary pheochromocytoma-paraganglioma; Hereditary paragangliomas and pheochromocytomas. Identifiers: Orphanet 29072, MedGen C4274332, MONDO:0017366.

Allele frequency attached by ClinVar (database versions not stated): TOPMed 0.00002; gnomAD exomes 0.00004; ExAC 0.00006; ESP Exome Variant Server 0.00015.
gnomAD v4.1: 64 of 1,613,898 alleles (0.004%); highest among the groups gnomAD compares: Non-Finnish European, 0.0051%; no homozygotes.

Submissions (4):

PreventionGenetics, part of Exact Sciences
Classification: Uncertain significance for SDHC-related condition. Last evaluated: 2025-03-26. Review status: criteria provided, single submitter. Criteria: ACMG Guidelines, 2015. Collection method: clinical testing. Allele origin: germline.
Comment: The SDHC c.-3A>G variant is located in the 5' untranslated region. To our knowledge, this variant has not been reported in the literature. This variant is reported in 0.0088% of alleles in individuals of European (Non-Finnish) descent in gnomAD and has been interpreted as uncertain in ClinVar. At this time, the clinical significance of this variant is uncertain due to the absence of conclusive functional and genetic evidence.

All of Us Research Program, National Institutes of Health
Classification: Uncertain significance for Hereditary pheochromocytoma and paraganglioma. Last evaluated: 2024-05-13. Review status: criteria provided, single submitter. Criteria: ACMG Guidelines, 2015. Collection method: clinical testing. Allele origin: germline. Inheritance: Autosomal dominant inheritance. Observed: 11 variant alleles, 11 heterozygotes.
Comment: This variant causes an A to G nucleotide substitution at the -3 position in the 5' untranslated region of the SDHC gene. To our knowledge, functional studies have not been reported for this variant. This variant has not been reported in individuals affected with SDHC-related disorders in the literature. This variant has been identified in 10/251254 chromosomes in the general population by the Genome Aggregation Database (gnomAD). The available evidence is insufficient to determine the role of this variant in disease conclusively. Therefore, this variant is classified as a Variant of Uncertain Significance.

This study involves interpretation of variants in research participants for the purpose of population health screening. Participant phenotype was not available at the time of variant classification. Additional details can be found in publication PMID: 35346344, PMCID: PMC8962531

Color Diagnostics, LLC DBA Color Health
Classification: Uncertain significance for Hereditary pheochromocytoma and paraganglioma. Last evaluated: 2024-04-03. Review status: criteria provided, single submitter. Criteria: ACMG Guidelines, 2015. Collection method: clinical testing. Allele origin: germline.
Comment: This variant causes an A to G nucleotide substitution at the -3 position in the 5' untranslated region of the SDHC gene. To our knowledge, functional studies have not been reported for this variant. This variant has not been reported in individuals affected with SDHC-related disorders in the literature. This variant has been identified in 10/251254 chromosomes in the general population by the Genome Aggregation Database (gnomAD). The available evidence is insufficient to determine the role of this variant in disease conclusively. Therefore, this variant is classified as a Variant of Uncertain Significance.

Ambry Genetics
Classification: Uncertain significance for Hereditary cancer-predisposing syndrome. Last evaluated: 2024-03-12. Review status: criteria provided, single submitter. Criteria: Ambry Variant Classification Scheme 2023. Collection method: clinical testing. Allele origin: germline.
Comment: The c.-3A>G variant is located in the 5' untranslated region (5&rsquo; UTR) of the SDHC gene. This variant results from an A to G substitution 3 bases upstream from the first translated codon. This nucleotide position is highly conserved in available vertebrate species. Based on the available evidence, the clinical significance of this alteration remains unclear.

NM_003001.5(SDHC):c.-3A>G

Gene: SDHC (succinate dehydrogenase complex subunit C; plus strand). Cytogenetic location: 1q23.3.
Variant type: single nucleotide variant.
Coding change: c.-3A>G on transcript NM_003001.5 (MANE Select); 3 bases upstream of the start codon, A replaced by G.
Molecular consequence: 5 prime UTR variant.
Genome position (GRCh38, 1-based): chr1:161,314,403, A>G. VCF-style: chr1-161314403-A-G. GRCh37 (hg19) VCF-style: chr1-161284193-A-G.
Other names: c.-3A>G (NM_001035511.3, NM_001035512.3, NM_001035513.3 and 6 more transcripts); c.-563A>G (NM_001407119.1); c.-232A>G (NM_001407120.1).
Identifiers: ClinVar variation 232369 (VCV000232369.10), dbSNP rs373136782, ClinGen allele CA047866.